The following is an entry in ClinVar:

NM_018089.3(ANKZF1):c.731C>T (p.Thr244Ile)

Gene: ANKZF1 (ankyrin repeat and zinc finger peptidyl tRNA hydrolase 1; plus strand). Cytogenetic location: 2q35.
Variant type: single nucleotide variant.
Coding change: c.731C>T on transcript NM_018089.3 (MANE Select); coding-DNA position 731, C replaced by T.
Protein change: p.Thr244Ile; replaces threonine 244 with isoleucine.
Molecular consequence: missense variant.
Genome position (GRCh38, 1-based): chr2:219,233,345, C>T. VCF-style: chr2-219233345-C-T. GRCh37 (hg19) VCF-style: chr2-220098067-C-T.
Other names: c.731C>T, p.Thr244Ile (NM_001042410.2); c.101C>T, p.Thr34Ile (NM_001282792.2); short protein forms T244I, T34I.
Identifiers: ClinVar variation 1368255 (VCV001368255.8), dbSNP rs758095950, ClinGen allele CA2120849.
Genomic context (GRCh38, chr2:219,233,345, plus strand): 5'-GAAGAGAAGTGGTGACACACAAAACTTTTCACCGCTATACGGTTCGGGCCAAGCGGGGCA[C>T]AGCCCAGGGGCTTCGGGATGCCCGAGGTGGGCCATCACACTCTGCTGGAGCCAACCTGAG-3'
Protein context (NP_060559.2, residues 234-254): HRYTVRAKRG[Thr244Ile]AQGLRDARGG

ClinVar aggregate classification (germline): Uncertain significance (1 of 4 stars; one submission).

Allele frequency attached by ClinVar (database versions not stated): gnomAD 0.00001; gnomAD exomes 0.00001.

Submission:

Labcorp Genetics (formerly Invitae), Labcorp
Classification: Uncertain significance. Last evaluated: 2024-09-01. Review status: criteria provided, single submitter. Criteria: Invitae Variant Classification Sherloc (09022015). Collection method: clinical testing. Allele origin: germline.
Comment: This sequence change replaces threonine, which is neutral and polar, with isoleucine, which is neutral and non-polar, at codon 244 of the ANKZF1 protein (p.Thr244Ile). This variant is present in population databases (rs758095950, gnomAD 0.006%). This variant has not been reported in the literature in individuals affected with ANKZF1-related conditions. ClinVar contains an entry for this variant (Variation ID: 1368255). An algorithm developed to predict the effect of missense changes on protein structure and function (PolyPhen-2) suggests that this variant is likely to be disruptive. In summary, the available evidence is currently insufficient to determine the role of this variant in disease. Therefore, it has been classified as a Variant of Uncertain Significance.